The following is an entry in ClinVar:

NM_001394894.2(NLRP11):c.1842-149C>T

Gene: NLRP11 (NLR family pyrin domain containing 11; minus strand). Cytogenetic location: 19q13.43.
Variant type: single nucleotide variant.
Coding change: c.1842-149C>T on transcript NM_001394894.2 (MANE Select); 149 bases into the intron before coding-DNA position 1842, C replaced by T.
Molecular consequence: intron variant.
Genome position (GRCh38, 1-based): chr19:55,808,163, G>A on the plus strand (C>T on the coding strand, the complement: NLRP11 is on the minus strand). VCF-style: chr19-55808163-G-A. GRCh37 (hg19) VCF-style: chr19-56319529-G-A.
Other names: c.1545-149C>T (NM_001297743.3); c.1841+606C>T (NM_001385451.2); c.1842-149C>T (NM_001385453.2, NM_145007.5).
Identifiers: ClinVar variation 103272 (VCV000103272.3), dbSNP rs199476237, ClinGen allele CA230348.

ClinVar aggregate classification (germline): not provided (0 of 4 stars; one submission).

Allele frequency attached by ClinVar (database versions not stated): gnomAD exomes 0.00010; gnomAD 0.00092 and 0.00096; TOPMed 0.00101; 1000 Genomes Project 0.00160; 1000 Genomes Project 30x 0.00203.
gnomAD v4.1: 181 of 541,902 alleles (0.033%); highest among the groups gnomAD compares: African/African-American, 0.29%; no homozygotes.

Submission:

Human Evolutionary Genetics, Institut Pasteur
No classification provided. Review status: no classification provided. Collection method: not provided. Allele origin: germline.
ClinVar note: Converted during submission from untested to not provided.